The following is an entry in ClinVar:

ClinVar aggregate classification (germline): Uncertain significance. Review status: criteria provided, multiple submitters, no conflicts (2 of 4 stars). 2 submissions from 2 submitters: Uncertain significance (2). Last evaluated 2025-06-24.

Conditions:
BBS7-related disorder. Also called: BBS7-related condition.
Inborn genetic diseases. Identifiers: MedGen C0950123, MeSH D030342.

gnomAD v4.1: 3 of 1,613,786 alleles (0.00019%); highest among the groups gnomAD compares: Admixed American, 0.005%; no homozygotes.

Submissions (2):

PreventionGenetics, part of Exact Sciences
Classification: Uncertain significance for BBS7-related condition. Last evaluated: 2025-06-24. Review status: criteria provided, single submitter. Criteria: ACMG Guidelines, 2015. Collection method: clinical testing. Allele origin: germline.
Comment: The BBS7 c.380A>G variant is predicted to result in the amino acid substitution p.Tyr127Cys. To our knowledge, this variant has not been reported in the literature. This variant is reported in 0.0058% of alleles in individuals of Latino descent in gnomAD, and is classified as uncertain in ClinVar. At this time, the clinical significance of this variant is uncertain due to the absence of conclusive functional and genetic evidence.

Ambry Genetics
Classification: Uncertain significance for Inborn genetic diseases. Last evaluated: 2024-12-09. Review status: criteria provided, single submitter. Criteria: Ambry Variant Classification Scheme 2023. Collection method: clinical testing. Allele origin: germline.

NM_176824.3(BBS7):c.380A>G (p.Tyr127Cys)

Gene: BBS7 (Bardet-Biedl syndrome 7; minus strand). Cytogenetic location: 4q27.
Variant type: single nucleotide variant.
Coding change: c.380A>G on transcript NM_176824.3 (MANE Select); coding-DNA position 380, A replaced by G.
Protein change: p.Tyr127Cys; replaces tyrosine 127 with cysteine.
Molecular consequence: missense variant.
Genome position (GRCh38, 1-based): chr4:121,859,140, T>C on the plus strand (A>G on the coding strand, the complement: BBS7 is on the minus strand). VCF-style: chr4-121859140-T-C. GRCh37 (hg19) VCF-style: chr4-122780295-T-C.
Other names: c.380A>G, p.Tyr127Cys (NM_018190.4); short protein forms Y127C.
Identifiers: ClinVar variation 3479932 (VCV003479932.2).